The following is an entry in ClinVar:

NM_173354.5(SIK1):c.742T>C (p.Ser248Pro)

Gene: SIK1 (salt inducible kinase 1; minus strand). Cytogenetic location: 21q22.3.
Variant type: single nucleotide variant.
Coding change: c.742T>C on transcript NM_173354.5 (MANE Select); coding-DNA position 742, T replaced by C.
Protein change: p.Ser248Pro; replaces serine 248 with proline.
Molecular consequence: missense variant.
Genome position (GRCh38, 1-based): chr21:43,421,016, A>G on the plus strand (T>C on the coding strand, the complement: SIK1 is on the minus strand). VCF-style: chr21-43421016-A-G. GRCh37 (hg19) VCF-style: chr21-44840896-A-G.
Other names: short protein forms S248P.
Identifiers: ClinVar variation 2672232 (VCV002672232.1), dbSNP rs2516967167, ClinGen allele CA410609513.

ClinVar aggregate classification (germline): Uncertain significance (1 of 4 stars; one submission).

Conditions:
Developmental and epileptic encephalopathy, 30 (DEE30). Also called: Epileptic encephalopathy, early infantile, 30. Identifiers: MedGen C4225360, MONDO:0014595, OMIM 616341.

Submission:

Clinical Genomics Laboratory, Washington University in St. Louis
Classification: Uncertain significance for Developmental and epileptic encephalopathy, 30. Last evaluated: 2023-08-25. Review status: criteria provided, single submitter. Criteria: ACMG Guidelines, 2015. Collection method: clinical testing. Allele origin: germline.
Comment: The SIK1 c.742T>C (p.Ser248Pro) variant, to our knowledge, has not been reported in the medical literature and is absent from the general population (gnomAD v.2.1.1), indicating it is not a common variant. Computational predictors are uncertain as to the impact of this variant on SIK1 function. Due to limited information, and based on ACMG/AMP guidelines for variant interpretation (Richards S et al., PMID: 25741868), the clinical significance of this variant is uncertain at this time.